The following is an entry in ClinVar:

NM_000661.5(RPL9):c.19A>C (p.Asn7His)

Gene: RPL9 (ribosomal protein L9; minus strand). Cytogenetic location: 4p14.
Variant type: single nucleotide variant.
Coding change: c.19A>C on transcript NM_000661.5 (MANE Select); coding-DNA position 19, A replaced by C.
Protein change: p.Asn7His; replaces asparagine 7 with histidine.
Molecular consequence: missense variant.
Genome position (GRCh38, 1-based): chr4:39,458,421, T>G on the plus strand (A>C on the coding strand, the complement: RPL9 is on the minus strand). VCF-style: chr4-39458421-T-G. GRCh37 (hg19) VCF-style: chr4-39460041-T-G.
Other names: c.19A>C, p.Asn7His (NM_001024921.4); short protein forms N7H.
Identifiers: ClinVar variation 3710944 (VCV003710944.2).

ClinVar aggregate classification (germline): Uncertain significance (1 of 4 stars; one submission).

gnomAD v4.1: 7 of 1,614,236 alleles (0.00043%); highest among the groups gnomAD compares: Middle Eastern, 0.016%; no homozygotes.

Submission:

Labcorp Genetics (formerly Invitae), Labcorp
Classification: Uncertain significance. Last evaluated: 2024-10-21. Review status: criteria provided, single submitter. Criteria: Invitae Variant Classification Sherloc (09022015). Collection method: clinical testing. Allele origin: germline.
Comment: This sequence change replaces asparagine, which is neutral and polar, with histidine, which is basic and polar, at codon 7 of the RPL9 protein (p.Asn7His). This variant is present in population databases (rs778677660, gnomAD 0.003%). This variant has not been reported in the literature in individuals affected with RPL9-related conditions. An algorithm developed to predict the effect of missense changes on protein structure and function (PolyPhen-2) suggests that this variant is likely to be tolerated. In summary, the available evidence is currently insufficient to determine the role of this variant in disease. Therefore, it has been classified as a Variant of Uncertain Significance.